The following is an entry in ClinVar:

NM_001365276.2(TNXB):c.9115+1G>A

Gene: TNXB (tenascin XB; minus strand). Cytogenetic location: 6p21.33.
Variant type: single nucleotide variant.
Coding change: c.9115+1G>A on transcript NM_001365276.2 (MANE Select); the canonical splice donor site of the intron after coding-DNA position 9115, G replaced by A.
Molecular consequence: splice donor variant.
Genome position (GRCh38, 1-based): chr6:32,052,669, C>T on the plus strand (G>A on the coding strand, the complement: TNXB is on the minus strand). VCF-style: chr6-32052669-C-T. GRCh37 (hg19) VCF-style: chr6-32020446-C-T.
Other names: c.9109+1G>A (NM_019105.8); c.9856+1G>A (NM_001428335.1).
Identifiers: ClinVar variation 3593454 (VCV003593454.3).

ClinVar aggregate classification (germline): Likely pathogenic. Review status: criteria provided, multiple submitters, no conflicts (2 of 4 stars). 3 submissions from 3 submitters: Likely pathogenic (3). Last evaluated 2025-10-29.

Conditions:
Ehlers-Danlos syndrome due to tenascin-X deficiency (EDSCLL1). Also called: EDS DUE TO TNX DEFICIENCY; TNX DEFICIENCY; TNXB-Related Classical-Like Ehlers-Danlos Syndrome; EHLERS-DANLOS SYNDROME, CLASSIC-LIKE; Ehlers-Danlos syndrome, classic-like, 1. Identifiers: Orphanet 230839, MedGen C1848029, MONDO:0011670, OMIM 606408.
Vesicoureteral reflux 8 (VUR8). Identifiers: Orphanet 289365, MedGen C4014831, MONDO:0014422, OMIM 615963.

Submissions (3):

Labcorp Genetics (formerly Invitae), Labcorp
Classification: Likely pathogenic. Last evaluated: 2025-10-29. Review status: criteria provided, single submitter. Criteria: Invitae Variant Classification Sherloc (09022015). Collection method: clinical testing. Allele origin: germline.
Comment: This sequence change affects a donor splice site in intron 26 of the TNXB gene. It is expected to disrupt RNA splicing. Variants that disrupt the donor or acceptor splice site typically lead to a loss of protein function (PMID: 16199547), and loss-of-function variants in TNXB are known to be pathogenic (PMID: 9288108, 11642233). This variant is present in population databases (rs776853208, gnomAD 0.002%). This variant has not been reported in the literature in individuals affected with TNXB-related conditions. ClinVar contains an entry for this variant (Variation ID: 3593454). Algorithms developed to predict the effect of sequence changes on RNA splicing suggest that this variant may disrupt the consensus splice site. In summary, the currently available evidence indicates that the variant is pathogenic, but additional data are needed to prove that conclusively. Therefore, this variant has been classified as Likely Pathogenic.

Women's Health and Genetics/Laboratory Corporation of America, LabCorp
Classification: Likely pathogenic for Ehlers-Danlos syndrome due to tenascin-X deficiency. Last evaluated: 2025-09-29. Review status: criteria provided, single submitter. Criteria: LabCorp Variant Classification Summary - May 2015. Collection method: clinical testing. Allele origin: germline.
Comment: Variant summary: TNXB c.9109+1G>A is located in a canonical splice-site and is predicted to affect mRNA splicing resulting in a significantly altered protein due to either exon skipping, shortening, or inclusion of intronic material. Variants that disrupt the consensus splice site are a relatively common cause of aberrant splicing and loss of TNXB function. Several computational tools predict a significant impact on normal splicing: Four predict the variant abolishes a 5' splicing donor site. One predicts the variant creates a 5' donor site. One predicts the variant weakens a cryptic 3' acceptor site. However, these predictions have yet to be confirmed by functional studies. The variant allele was found at a frequency of 8.2e-06 in 244534 control chromosomes. To our knowledge, no occurrence of c.9109+1G>A in individuals affected with TNXB-related conditions and no experimental evidence demonstrating its impact on protein function have been reported. ClinVar contains an entry for this variant (Variation ID: 3593454). Based on the evidence outlined above, the variant was classified as likely pathogenic.

Fulgent Genetics
Classification: Likely pathogenic for Ehlers-Danlos syndrome due to tenascin-X deficiency; Vesicoureteral reflux 8. Last evaluated: 2024-06-23. Review status: criteria provided, single submitter. Criteria: ACMG Guidelines, 2015. Collection method: clinical testing. Allele origin: germline.

Literature cited by the submitters: PubMed 16199547 (cited by Labcorp Genetics (formerly Invitae), Labcorp); PubMed 9288108 (cited by Labcorp Genetics (formerly Invitae), Labcorp); PubMed 11642233 (cited by Labcorp Genetics (formerly Invitae), Labcorp).